The following is an entry in ClinVar:

ClinVar aggregate classification (germline): Pathogenic (1 of 4 stars; one submission).

Conditions:
Joubert syndrome 18 (JBTS18). Identifiers: Orphanet 2754, MedGen C3553758, MONDO:0013896, OMIM 614815.
Orofacial-digital syndrome IV (OFD4). Also called: BARAITSER-BURN SYNDROME; OFD SYNDROME WITH TIBIAL DEFECTS; OFD SYNDROME, BARAITSER-BURN TYPE; OFDS IV; ORAL-FACIAL-DIGITAL SYNDROME, TYPE IV; Orofaciodigital syndrome IV. Identifiers: Orphanet 2753, MedGen C0406727, MONDO:0009794, OMIM 258860.

Allele frequency attached by ClinVar (database versions not stated): gnomAD exomes 0.00001.

Submission:

Labcorp Genetics (formerly Invitae), Labcorp
Classification: Pathogenic for Joubert syndrome 18; Orofacial-digital syndrome IV. Last evaluated: 2022-03-10. Review status: criteria provided, single submitter. Criteria: Invitae Variant Classification Sherloc (09022015). Collection method: clinical testing. Allele origin: germline.
Comment: This sequence change creates a premature translational stop signal (p.Ser265Lysfs*15) in the TCTN3 gene. It is expected to result in an absent or disrupted protein product. Loss-of-function variants in TCTN3 are known to be pathogenic (PMID: 2692869, 22883145, 25118024). This variant is not present in population databases (gnomAD no frequency). This variant has not been reported in the literature in individuals affected with TCTN3-related conditions. For these reasons, this variant has been classified as Pathogenic.

Literature cited by the submitters: PubMed 2692869; PubMed 22883145; PubMed 25118024.

NM_015631.6(TCTN3):c.793dup (p.Ser265fs)

Gene: TCTN3 (tectonic family member 3; minus strand). Cytogenetic location: 10q24.1.
Variant type: Duplication.
Coding change: c.793dup on transcript NM_015631.6 (MANE Select); coding-DNA position 793, one base duplicated (A; older notation c.793dupA).
Protein change: p.Ser265fs; shifts the reading frame from serine 265.
Molecular consequence: frameshift variant.
Genome position (GRCh38, 1-based): chr10:95,687,103, T duplicated on the plus strand (A on the coding strand, the reverse complement: TCTN3 is on the minus strand). VCF-style (leftmost placement, unchanged base first): chr10-95687102-C-CT. GRCh37 (hg19) VCF-style: chr10-97446859-C-CT.
Other names: c.847dup, p.Ser283Lysfs (NM_001013840.1); c.556dup, p.Ser186fs (NM_001143973.2); c.793dup, p.Ser265Lysfs (NM_001410982.1); short protein forms S265fs, S186fs.
Identifiers: ClinVar variation 2108190 (VCV002108190.4), dbSNP rs2492760878, ClinGen allele CA2574628579.